The following is an entry in ClinVar:

NM_002972.4(SBF1):c.2662C>T (p.Arg888Cys)

Gene: SBF1 (SET binding factor 1; minus strand). Cytogenetic location: 22q13.33.
Variant type: single nucleotide variant.
Coding change: c.2662C>T on transcript NM_002972.4 (MANE Select); coding-DNA position 2662, C replaced by T.
Protein change: p.Arg888Cys; replaces arginine 888 with cysteine.
Molecular consequence: missense variant.
Genome position (GRCh38, 1-based): chr22:50,461,700, G>A on the plus strand (C>T on the coding strand, the complement: SBF1 is on the minus strand). VCF-style: chr22-50461700-G-A. GRCh37 (hg19) VCF-style: chr22-50900129-G-A.
Other names: c.2665C>T, p.Arg889Cys (NM_001365819.1); short protein forms R888C, R889C.
Identifiers: ClinVar variation 1509913 (VCV001509913.5), dbSNP rs770341256, ClinGen allele CA10317098.

ClinVar aggregate classification (germline): Uncertain significance (1 of 4 stars; one submission).

Allele frequency attached by ClinVar (database versions not stated): ExAC 0.00001; gnomAD exomes 0.00001; gnomAD 0.00002; TOPMed 0.00002.
gnomAD v4.1: 17 of 1,609,406 alleles (0.0011%); highest among the groups gnomAD compares: African/African-American, 0.0053%; no homozygotes.

Submission:

Labcorp Genetics (formerly Invitae), Labcorp
Classification: Uncertain significance. Last evaluated: 2022-06-20. Review status: criteria provided, single submitter. Criteria: Invitae Variant Classification Sherloc (09022015). Collection method: clinical testing. Allele origin: germline.
Comment: This sequence change replaces arginine, which is basic and polar, with cysteine, which is neutral and slightly polar, at codon 888 of the SBF1 protein (p.Arg888Cys). This variant is present in population databases (rs770341256, gnomAD 0.009%). This variant has not been reported in the literature in individuals affected with SBF1-related conditions. Algorithms developed to predict the effect of missense changes on protein structure and function are either unavailable or do not agree on the potential impact of this missense change (SIFT: "Tolerated"; PolyPhen-2: "Possibly Damaging"; Align-GVGD: "Class C0"). In summary, the available evidence is currently insufficient to determine the role of this variant in disease. Therefore, it has been classified as a Variant of Uncertain Significance.